The following is an entry in ClinVar:

ClinVar aggregate classification (germline): Uncertain significance (1 of 4 stars; one submission).

Allele frequency attached by ClinVar (database versions not stated): TOPMed below 0.00001; gnomAD 0.00002.
gnomAD v4.1: 3 of 1,611,786 alleles (0.00019%); highest among the groups gnomAD compares: African/African-American, 0.004%; no homozygotes.

Submission:

Labcorp Genetics (formerly Invitae), Labcorp
Classification: Uncertain significance. Last evaluated: 2022-07-26. Review status: criteria provided, single submitter. Criteria: Invitae Variant Classification Sherloc (09022015). Collection method: clinical testing. Allele origin: germline.
Comment: This sequence change creates a premature translational stop signal (p.Glu1013*) in the A2ML1 gene. It is expected to result in an absent or disrupted protein product. However, the current clinical and genetic evidence is not sufficient to establish whether loss-of-function variants in A2ML1 cause disease. In summary, the available evidence is currently insufficient to determine the role of this variant in disease. Therefore, it has been classified as a Variant of Uncertain Significance. ClinVar contains an entry for this variant (Variation ID: 1450237). This variant has not been reported in the literature in individuals affected with A2ML1-related conditions. This variant is present in population databases (no rsID available, gnomAD 0.01%).

NM_144670.6(A2ML1):c.3037G>T (p.Glu1013Ter)

Gene: A2ML1 (alpha-2-macroglobulin like 1; plus strand). Cytogenetic location: 12p13.31.
Variant type: single nucleotide variant.
Coding change: c.3037G>T on transcript NM_144670.6 (MANE Select); coding-DNA position 3037, G replaced by T.
Protein change: p.Glu1013Ter; replaces glutamic acid 1013 with a stop codon.
Molecular consequence: nonsense.
Genome position (GRCh38, 1-based): chr12:8,857,518, G>T. VCF-style: chr12-8857518-G-T. GRCh37 (hg19) VCF-style: chr12-9010114-G-T.
Other names: c.1564G>T, p.Glu522Ter (NM_001282424.3); short protein forms E522*, E1013*.
Identifiers: ClinVar variation 1450237 (VCV001450237.6), dbSNP rs1228315173, ClinGen allele CA383836578.